The following is an entry in ClinVar:

ClinVar aggregate classification (germline): Uncertain significance (1 of 4 stars; one submission).

gnomAD v4.1: 24 of 1,613,602 alleles (0.0015%); highest among the groups gnomAD compares: Non-Finnish European, 0.0019%; no homozygotes.

Submission:

Labcorp Genetics (formerly Invitae), Labcorp
Classification: Uncertain significance. Last evaluated: 2024-03-02. Review status: criteria provided, single submitter. Criteria: Invitae Variant Classification Sherloc (09022015). Collection method: clinical testing. Allele origin: germline.
Comment: This sequence change replaces arginine, which is basic and polar, with glutamine, which is neutral and polar, at codon 785 of the ROBO2 protein (p.Arg785Gln). This variant is present in population databases (rs750182926, gnomAD 0.003%). This variant has not been reported in the literature in individuals affected with ROBO2-related conditions. Advanced modeling of protein sequence and biophysical properties (such as structural, functional, and spatial information, amino acid conservation, physicochemical variation, residue mobility, and thermodynamic stability) performed at Invitae indicates that this missense variant is not expected to disrupt ROBO2 protein function with a negative predictive value of 95%. In summary, the available evidence is currently insufficient to determine the role of this variant in disease. Therefore, it has been classified as a Variant of Uncertain Significance.

NM_001395656.1(ROBO2):c.2366G>A (p.Arg789Gln)

Gene: ROBO2 (roundabout guidance receptor 2; plus strand). Cytogenetic location: 3p12.3.
Variant type: single nucleotide variant.
Coding change: c.2366G>A on transcript NM_001395656.1 (MANE Select); coding-DNA position 2366, G replaced by A.
Protein change: p.Arg789Gln; replaces arginine 789 with glutamine.
Molecular consequence: missense variant.
Genome position (GRCh38, 1-based): chr3:77,579,972, G>A. VCF-style: chr3-77579972-G-A. GRCh37 (hg19) VCF-style: chr3-77629123-G-A.
Other names: c.2402G>A, p.Arg801Gln (NM_001128929.3); c.2366G>A, p.Arg789Gln (NM_001290039.2, NM_001290040.2, NM_001378202.1); c.575G>A, p.Arg192Gln (NM_001290065.2); c.2414G>A, p.Arg805Gln (NM_001378190.1, NM_001378191.1, NM_001378195.1 and 4 more transcripts); c.2435G>A, p.Arg812Gln (NM_001378192.1, NM_001378194.1, NM_001378198.1 and 2 more transcripts); c.2354G>A, p.Arg785Gln (NM_001378193.1, NM_001378197.1, NM_002942.5); c.2423G>A, p.Arg808Gln (NM_001394212.1, NM_001394214.1, NM_001395657.1); short protein forms R805Q, R808Q, R812Q, R785Q, R789Q, R801Q, R192Q.
Identifiers: ClinVar variation 3675502 (VCV003675502.2).